The following is an entry in ClinVar:

ClinVar aggregate classification (germline): Uncertain significance (1 of 4 stars; one submission).

Conditions:
Rhabdoid tumor predisposition syndrome 2 (RTPS2). Identifiers: Orphanet 231108, Orphanet 69077, MedGen C2750074, MONDO:0013224, OMIM 613325.

Submission:

Labcorp Genetics (formerly Invitae), Labcorp
Classification: Uncertain significance for Rhabdoid tumor predisposition syndrome 2. Last evaluated: 2021-03-12. Review status: criteria provided, single submitter. Criteria: Invitae Variant Classification Sherloc (09022015). Collection method: clinical testing. Allele origin: germline.
Comment: This variant has not been reported in the literature in individuals with SMARCA4-related conditions. This variant is not present in population databases (ExAC no frequency). This sequence change creates a premature translational stop signal (p.Gln1667*) in the SMARCA4 gene. While this is not anticipated to result in nonsense mediated decay, it is expected to disrupt the last 13 amino acid(s) of the SMARCA4 protein. Experimental studies and prediction algorithms are not available or were not evaluated, and the functional significance of this variant is currently unknown. In summary, the available evidence is currently insufficient to determine the role of this variant in disease. Therefore, it has been classified as a Variant of Uncertain Significance.

NM_003072.5(SMARCA4):c.4903C>T (p.Gln1635Ter)

Gene: SMARCA4 (SWI/SNF related BAF chromatin remodeling complex subunit ATPase 4; plus strand). Cytogenetic location: 19p13.2.
Variant type: single nucleotide variant.
Coding change: c.4903C>T on transcript NM_003072.5 (MANE Select); coding-DNA position 4903, C replaced by T.
Protein change: p.Gln1635Ter; replaces glutamine 1635 with a stop codon.
Molecular consequence: nonsense. On other transcripts: non-coding transcript variant (1).
Genome position (GRCh38, 1-based): chr19:11,060,179, C>T. VCF-style: chr19-11060179-C-T. GRCh37 (hg19) VCF-style: chr19-11170855-C-T.
Other names: c.4903C>T, p.Gln1635Ter (NM_001128844.3); c.4813C>T, p.Gln1605Ter (NM_001128845.2); c.4810C>T, p.Gln1604Ter (NM_001128846.2); c.4804C>T, p.Gln1602Ter (NM_001128847.4, NM_001374457.1); c.4801C>T, p.Gln1601Ter (NM_001128848.2); c.4999C>T, p.Gln1667Ter (NM_001128849.3, NM_001387283.1); short protein forms Q1602*, Q1667*, Q1601*, Q1604*, Q1635*, Q1605*.
Identifiers: ClinVar variation 1478133 (VCV001478133.6), dbSNP rs2147127094, ClinGen allele CA404080992.